The following is an entry in ClinVar:

NM_001040142.2(SCN2A):c.1909A>G (p.Ile637Val)

Gene: SCN2A (sodium voltage-gated channel alpha subunit 2; plus strand). Cytogenetic location: 2q24.3.
Variant type: single nucleotide variant.
Coding change: c.1909A>G on transcript NM_001040142.2 (MANE Select); coding-DNA position 1909, A replaced by G.
Protein change: p.Ile637Val; replaces isoleucine 637 with valine.
Molecular consequence: missense variant.
Genome position (GRCh38, 1-based): chr2:165,323,393, A>G. VCF-style: chr2-165323393-A-G. GRCh37 (hg19) VCF-style: chr2-166179903-A-G.
Other names: c.1909A>G, p.Ile637Val (NM_001040143.2, NM_001371246.1, NM_001371247.1 and 1 more transcripts); short protein forms I637V.
Identifiers: ClinVar variation 3760703 (VCV003760703.2).

ClinVar aggregate classification (germline): Uncertain significance (1 of 4 stars; one submission).

Conditions:
Developmental and epileptic encephalopathy, 11 (DEE11). Also called: Early infantile epileptic encephalopathy 11. Identifiers: Orphanet 1934, MedGen C3150987, MONDO:0013388, OMIM 613721.
Seizures, benign familial infantile, 3 (BFIS3). Also called: Familial neonatal seizures; CONVULSIONS, BENIGN FAMILIAL INFANTILE, 3. Identifiers: Orphanet 140927, Orphanet 306, MedGen C1843140, MONDO:0011904, OMIM 607745.

gnomAD v4.1: 3 of 1,614,118 alleles (0.00019%); highest among the groups gnomAD compares: East Asian, 0.0022%; no homozygotes.

Submission:

Labcorp Genetics (formerly Invitae), Labcorp
Classification: Uncertain significance for Seizures, benign familial infantile, 3; Developmental and epileptic encephalopathy, 11. Last evaluated: 2024-09-06. Review status: criteria provided, single submitter. Criteria: Invitae Variant Classification Sherloc (09022015). Collection method: clinical testing. Allele origin: germline.
Comment: This sequence change replaces isoleucine, which is neutral and non-polar, with valine, which is neutral and non-polar, at codon 637 of the SCN2A protein (p.Ile637Val). This variant is present in population databases (rs758619758, gnomAD 0.006%). This variant has not been reported in the literature in individuals affected with SCN2A-related conditions. An algorithm developed to predict the effect of missense changes on protein structure and function outputs the following: PolyPhen-2: "Benign". The valine amino acid residue is found in multiple mammalian species, which suggests that this missense change does not adversely affect protein function. In summary, the available evidence is currently insufficient to determine the role of this variant in disease. Therefore, it has been classified as a Variant of Uncertain Significance.